The following is an entry in ClinVar:

NM_022124.6(CDH23):c.934del (p.Ile311_Leu312insTer)

Gene: CDH23 (cadherin related 23; plus strand). Cytogenetic location: 10q22.1.
Variant type: Deletion.
Coding change: c.934del on transcript NM_022124.6 (MANE Select); coding-DNA position 934, one base deleted (C; older notation c.934delC).
Protein change: p.Ile311_Leu312insTer.
Molecular consequence: nonsense.
Genome position (GRCh38, 1-based): chr10:71,615,605, C deleted; the last of 2 consecutive C bases (chr10:71,615,604-71,615,605); deleting either gives the same sequence. VCF-style (leftmost placement, unchanged base first): chr10-71615603-TC-T. GRCh37 (hg19) VCF-style: chr10-73375360-TC-T.
Other names: c.934del (NM_022124.5); c.934del, p.Ile311_Leu312insTer (NM_001171930.2, NM_001171931.2, NM_001171932.2 and 1 more transcripts).
Identifiers: ClinVar variation 1459177 (VCV001459177.10), dbSNP rs1861138703, ClinGen allele CA929779574.

ClinVar aggregate classification (germline): Pathogenic. Review status: criteria provided, multiple submitters, no conflicts (2 of 4 stars). 2 submissions from 2 submitters: Pathogenic (2). Last evaluated 2025-01-27.

Conditions:
Usher syndrome type 1 (USH1). Also called: RETINITIS PIGMENTOSA AND CONGENITAL DEAFNESS. Identifiers: Orphanet 231169, Orphanet 886, MedGen C1568247, MONDO:0010168, OMIM 276900.

Submissions (2):

Natera, Inc.
Classification: Pathogenic for Usher syndrome type 1. Last evaluated: 2025-01-27. Review status: criteria provided, single submitter. Criteria: Natera Variant Classification Schema (03/2026). Collection method: clinical testing. Allele origin: germline.
Comment: The c.934del variant in CDH23 is a frameshift variant predicted to shift the reading frame and introduce a stop codon. This variant is expected to result in nonsense mediated decay, truncation, or a dysfunctional protein product. This variant is rare in the general population with a frequency below the threshold expected for the associated phenotype(s). This variant has been observed in one or more individuals affected with the associated recessive disease, as either homozygous or compound heterozygous with a second variant (PMID: 25468891). Given the available evidence, this variant is classified as Pathogenic.

Labcorp Genetics (formerly Invitae), Labcorp
Classification: Pathogenic. Last evaluated: 2022-09-01. Review status: criteria provided, single submitter. Criteria: Invitae Variant Classification Sherloc (09022015). Collection method: clinical testing. Allele origin: germline.
Comment: For these reasons, this variant has been classified as Pathogenic. ClinVar contains an entry for this variant (Variation ID: 1459177). This premature translational stop signal has been observed in individual(s) with Usher syndrome (PMID: 25468891). This variant is not present in population databases (gnomAD no frequency). This sequence change creates a premature translational stop signal (p.Leu312*) in the CDH23 gene. It is expected to result in an absent or disrupted protein product. Loss-of-function variants in CDH23 are known to be pathogenic (PMID: 11138009, 21940737).

Literature cited by the submitters: PubMed 25468891 (cited by Natera, Inc. and Labcorp Genetics (formerly Invitae), Labcorp); PubMed 11138009 (cited by Labcorp Genetics (formerly Invitae), Labcorp); PubMed 21940737 (cited by Labcorp Genetics (formerly Invitae), Labcorp).